The following is an entry in ClinVar:

ClinVar aggregate classification (germline): Uncertain significance (1 of 4 stars; one submission).

Conditions:
Pyridoxine-dependent epilepsy (EPEO4). Also called: Pyridoxine-Dependent Seizures; Pyridoxine-Dependent Epilepsy - ALDH7A1; PYRIDOXINE DEPENDENCY WITH SEIZURES; EPILEPSY, EARLY-ONSET, 4, VITAMIN B6-DEPENDENT. Identifiers: Orphanet 3006, MedGen C1849508, MONDO:0009945, OMIM 266100. Disease mechanism: loss of function.

Allele frequency attached by ClinVar (database versions not stated): gnomAD 0.00001; TOPMed below 0.00001; gnomAD exomes 0.00001.
gnomAD v4.1: 14 of 1,613,704 alleles (0.00087%); highest among the groups gnomAD compares: Non-Finnish European, 0.0012%; no homozygotes.

Submission:

Labcorp Genetics (formerly Invitae), Labcorp
Classification: Uncertain significance for Pyridoxine-dependent epilepsy. Last evaluated: 2022-07-06. Review status: criteria provided, single submitter. Criteria: Invitae Variant Classification Sherloc (09022015). Collection method: clinical testing. Allele origin: germline.
Comment: This sequence change replaces isoleucine, which is neutral and non-polar, with valine, which is neutral and non-polar, at codon 233 of the ALDH7A1 protein (p.Ile233Val). This variant is not present in population databases (gnomAD no frequency). This variant has not been reported in the literature in individuals affected with ALDH7A1-related conditions. ClinVar contains an entry for this variant (Variation ID: 1460727). Algorithms developed to predict the effect of missense changes on protein structure and function (SIFT, PolyPhen-2, Align-GVGD) all suggest that this variant is likely to be tolerated. Algorithms developed to predict the effect of sequence changes on RNA splicing suggest that this variant may create or strengthen a splice site. In summary, the available evidence is currently insufficient to determine the role of this variant in disease. Therefore, it has been classified as a Variant of Uncertain Significance.

NM_001182.5(ALDH7A1):c.697A>G (p.Ile233Val)

Gene: ALDH7A1 (aldehyde dehydrogenase 7 family member A1; minus strand). Cytogenetic location: 5q23.2.
Variant type: single nucleotide variant.
Coding change: c.697A>G on transcript NM_001182.5 (MANE Select); coding-DNA position 697, A replaced by G.
Protein change: p.Ile233Val; replaces isoleucine 233 with valine.
Molecular consequence: missense variant.
Genome position (GRCh38, 1-based): chr5:126,570,858, T>C on the plus strand (A>G on the coding strand, the complement: ALDH7A1 is on the minus strand). VCF-style: chr5-126570858-T-C. GRCh37 (hg19) VCF-style: chr5-125906550-T-C.
Other names: c.613A>G, p.Ile205Val (NM_001201377.2); c.697A>G, p.Ile233Val (NM_001202404.2); short protein forms I233V, I205V.
Identifiers: ClinVar variation 1460727 (VCV001460727.3), dbSNP rs1750746231, ClinGen allele CA360730331.